The following is an entry in ClinVar:

ClinVar aggregate classification (germline): Uncertain significance (1 of 4 stars; one submission).

Conditions:
Bethlem myopathy 1A. Also called: Bethlem myopathy 1; Bethlem Muscular Dystrophy; MYOPATHY, BENIGN CONGENITAL, WITH CONTRACTURES. Identifiers: Orphanet 610, MedGen CN029274, MONDO:0024530, OMIM 158810.

Submission:

Labcorp Genetics (formerly Invitae), Labcorp
Classification: Uncertain significance for Bethlem myopathy 1A. Last evaluated: 2022-07-05. Review status: criteria provided, single submitter. Criteria: Invitae Variant Classification Sherloc (09022015). Collection method: clinical testing. Allele origin: germline.
Comment: In summary, the available evidence is currently insufficient to determine the role of this variant in disease. Therefore, it has been classified as a Variant of Uncertain Significance. Advanced modeling of protein sequence and biophysical properties (such as structural, functional, and spatial information, amino acid conservation, physicochemical variation, residue mobility, and thermodynamic stability) performed at Invitae indicates that this missense variant is not expected to disrupt COL6A2 protein function. ClinVar contains an entry for this variant (Variation ID: 1365170). This variant has not been reported in the literature in individuals affected with COL6A2-related conditions. This variant is not present in population databases (gnomAD no frequency). This sequence change replaces aspartic acid, which is acidic and polar, with asparagine, which is neutral and polar, at codon 467 of the COL6A2 protein (p.Asp467Asn).

NM_001849.4(COL6A2):c.1399G>A (p.Asp467Asn)

Gene: COL6A2 (collagen type VI alpha 2 chain; plus strand). Cytogenetic location: 21q22.3.
Variant type: single nucleotide variant.
Coding change: c.1399G>A on transcript NM_001849.4 (MANE Select); coding-DNA position 1399, G replaced by A.
Protein change: p.Asp467Asn; replaces aspartic acid 467 with asparagine.
Molecular consequence: missense variant.
Genome position (GRCh38, 1-based): chr21:46,121,064, G>A. VCF-style: chr21-46121064-G-A. GRCh37 (hg19) VCF-style: chr21-47540978-G-A.
Other names: c.1399G>A, p.Asp467Asn (NM_058174.3, NM_058175.3); short protein forms D467N.
Identifiers: ClinVar variation 1365170 (VCV001365170.6), dbSNP rs1464567484, ClinGen allele CA410531338.
Genomic context (GRCh38, chr21:46,121,064, plus strand): 5'-GACTCCAGGGTGCTGCTGTCAGTCAAGAGAACCCCAAATTCCTCCCCTTTCTTCCAGGGA[G>A]ACCGAGGCTTGCCTGGACCCAGAGGCCCCCAGGGAGCTCTTGGGGAGCCCGGAAAGCAGG-3'
Protein context (NP_001840.3, residues 457-477): GEVGNKGAKG[Asp467Asn]RGLPGPRGPQ